The following is an entry in ClinVar:

NM_004006.3(DMD):c.9815A>G (p.Asn3272Ser)

Gene: DMD (dystrophin; minus strand). Cytogenetic location: Xp21.2.
Variant type: single nucleotide variant.
Coding change: c.9815A>G on transcript NM_004006.3 (MANE Select); coding-DNA position 9815, A replaced by G.
Protein change: p.Asn3272Ser; replaces asparagine 3272 with serine.
Molecular consequence: missense variant.
Genome position (GRCh38, 1-based): chrX:31,182,897, T>C on the plus strand (A>G on the coding strand, the complement: DMD is on the minus strand). VCF-style: chrX-31182897-T-C. GRCh37 (hg19) VCF-style: chrX-31201014-T-C.
Other names: c.9791A>G, p.Asn3264Ser (NM_000109.4); c.9803A>G, p.Asn3268Ser (NM_004009.3); c.9446A>G, p.Asn3149Ser (NM_004010.3); c.5792A>G, p.Asn1931Ser (NM_004011.4); c.5783A>G, p.Asn1928Ser (NM_004012.4); c.2435A>G, p.Asn812Ser (NM_004013.3, NM_004020.4, NM_004021.3 and 2 more transcripts); c.1628A>G, p.Asn543Ser (NM_004014.3); c.611A>G, p.Asn204Ser (NM_004015.3, NM_004016.3, NM_004017.3 and 2 more transcripts); short protein forms N1928S, N1931S, N204S, N3149S, N3264S, N3268S, N3272S, N543S.
Identifiers: ClinVar variation 3367940 (VCV003367940.3).

ClinVar aggregate classification (germline): Uncertain significance. Review status: criteria provided, multiple submitters, no conflicts (2 of 4 stars). 2 submissions from 2 submitters: Uncertain significance (2). Last evaluated 2024-02-26.

Conditions:
Duchenne muscular dystrophy (DMD). Also called: Duchenne Muscular Dystrophy (DMD); MUSCULAR DYSTROPHY, PSEUDOHYPERTROPHIC PROGRESSIVE, DUCHENNE TYPE. Identifiers: Orphanet 98896, MedGen C0013264, MONDO:0010679, OMIM 310200.

gnomAD v4.1: 3 of 1,207,564 alleles (0.00025%); highest among the groups gnomAD compares: South Asian, 0.0035%; no homozygotes.

Submissions (2):

Labcorp Genetics (formerly Invitae), Labcorp
Classification: Uncertain significance for Duchenne muscular dystrophy. Last evaluated: 2024-02-26. Review status: criteria provided, single submitter. Criteria: Invitae Variant Classification Sherloc (09022015). Collection method: clinical testing. Allele origin: germline.
Comment: This sequence change replaces asparagine, which is neutral and polar, with serine, which is neutral and polar, at codon 3272 of the DMD protein (p.Asn3272Ser). This variant is present in population databases (rs765885178, gnomAD 0.005%). This variant has not been reported in the literature in individuals affected with DMD-related conditions. Advanced modeling of protein sequence and biophysical properties (such as structural, functional, and spatial information, amino acid conservation, physicochemical variation, residue mobility, and thermodynamic stability) performed at Invitae indicates that this missense variant is not expected to disrupt DMD protein function with a negative predictive value of 95%. In summary, the available evidence is currently insufficient to determine the role of this variant in disease. Therefore, it has been classified as a Variant of Uncertain Significance.

GeneDx
Classification: Uncertain significance. Last evaluated: 2024-01-14. Review status: criteria provided, single submitter. Criteria: GeneDx Variant Classification Process June 2021. Collection method: clinical testing. Allele origin: germline. Affected: yes.
Comment: Not observed at significant frequency in large population cohorts (gnomAD); In silico analysis supports that this missense variant has a deleterious effect on protein structure/function; Missense variant in a gene in which most reported pathogenic variants are truncating/loss of function; Has not been previously published as pathogenic or benign to our knowledge